The following is an entry in ClinVar:

ClinVar aggregate classification (germline): Pathogenic (1 of 4 stars; one submission).

Conditions:
Pyridoxine-dependent epilepsy (EPEO4). Also called: PYRIDOXINE DEPENDENCY WITH SEIZURES; Pyridoxine-Dependent Epilepsy - ALDH7A1; EPILEPSY, EARLY-ONSET, 4, VITAMIN B6-DEPENDENT; Pyridoxine-Dependent Seizures. Identifiers: Orphanet 3006, MedGen C1849508, MONDO:0009945, OMIM 266100. Disease mechanism: loss of function.

Submission:

Labcorp Genetics (formerly Invitae), Labcorp
Classification: Pathogenic for Pyridoxine-dependent epilepsy. Last evaluated: 2025-05-14. Review status: criteria provided, single submitter. Criteria: Invitae Variant Classification Sherloc (09022015). Collection method: clinical testing. Allele origin: germline.
Comment: This sequence change creates a premature translational stop signal (p.Thr31Serfs*25) in the ALDH7A1 gene. It is expected to result in an absent or disrupted protein product. Loss-of-function variants in ALDH7A1 are known to be pathogenic (PMID: 16491085, 20554659). This variant is not present in population databases (gnomAD no frequency). This variant has not been reported in the literature in individuals affected with ALDH7A1-related conditions. ClinVar contains an entry for this variant (Variation ID: 958387). For these reasons, this variant has been classified as Pathogenic.

Literature cited by the submitters: PubMed 16491085; PubMed 20554659.

NM_001182.5(ALDH7A1):c.91_92del (p.Thr31fs)

Gene: ALDH7A1 (aldehyde dehydrogenase 7 family member A1; minus strand). Cytogenetic location: 5q23.2.
Variant type: Deletion.
Coding change: c.91_92del on transcript NM_001182.5 (MANE Select); coding-DNA positions 91 to 92, 2 bases deleted (AC; older notation c.91_92delAC).
Protein change: p.Thr31fs; shifts the reading frame from threonine 31.
Molecular consequence: frameshift variant.
Genome position (GRCh38, 1-based): chr5:126,595,107-126,595,108, GT deleted on the plus strand (AC on the coding strand, the reverse complement: ALDH7A1 is on the minus strand); deleting any 2 consecutive bases within chr5:126,595,107-126,595,109 gives the same sequence; the c. name uses the placement nearest the transcript's 3' end. VCF-style (leftmost placement, unchanged base first): chr5-126595106-AGT-A. GRCh37 (hg19) VCF-style: chr5-125930798-AGT-A.
Other names: c.7_8del, p.Thr3fs (NM_001201377.2); c.91_92del, p.Thr31fs (NM_001202404.2); short protein forms T31fs, T3fs.
Identifiers: ClinVar variation 958387 (VCV000958387.8), dbSNP rs1751700395, ClinGen allele CA1139659036.